The following is an entry in ClinVar:

ClinVar aggregate classification (germline): Uncertain significance. Review status: criteria provided, multiple submitters, no conflicts (2 of 4 stars). 2 submissions from 2 submitters: Uncertain significance (2). Last evaluated 2025-09-15.

Conditions:
Bardet-Biedl syndrome (BBS). Identifiers: Orphanet 110, MedGen C0752166, MONDO:0015229.
Bardet-Biedl syndrome 7 (BBS7). Identifiers: Orphanet 110, MedGen C1859565, MONDO:0014435, OMIM 615984.

Allele frequency attached by ClinVar (database versions not stated): gnomAD exomes below 0.00001.
gnomAD v4.1: 1 of 1,613,220 alleles (0.000062%); highest among the groups gnomAD compares: Admixed American, 0.0017%; no homozygotes.

Submissions (2):

Labcorp Genetics (formerly Invitae), Labcorp
Classification: Uncertain significance for Bardet-Biedl syndrome. Last evaluated: 2025-09-15. Review status: criteria provided, single submitter. Criteria: Invitae Variant Classification Sherloc (09022015). Collection method: clinical testing. Allele origin: germline.
Comment: This sequence change replaces serine, which is neutral and polar, with arginine, which is basic and polar, at codon 702 of the BBS7 protein (p.Ser702Arg). This variant is present in population databases (no rsID available, gnomAD 0.003%). This variant has not been reported in the literature in individuals affected with BBS7-related conditions. ClinVar contains an entry for this variant (Variation ID: 1493448). Invitae Evidence Modeling of protein sequence and biophysical properties (such as structural, functional, and spatial information, amino acid conservation, physicochemical variation, residue mobility, and thermodynamic stability) indicates that this missense variant is not expected to disrupt BBS7 protein function with a negative predictive value of 80%. Algorithms developed to predict the effect of sequence changes on RNA splicing suggest that this variant may create or strengthen a splice site. In summary, the available evidence is currently insufficient to determine the role of this variant in disease. Therefore, it has been classified as a Variant of Uncertain Significance.

Fulgent Genetics
Classification: Uncertain significance for Bardet-Biedl syndrome 7. Last evaluated: 2022-04-07. Review status: criteria provided, single submitter. Criteria: ACMG Guidelines, 2015. Collection method: clinical testing. Allele origin: unknown.

NM_176824.3(BBS7):c.2106T>G (p.Ser702Arg)

Gene: BBS7 (Bardet-Biedl syndrome 7; minus strand). Cytogenetic location: 4q27.
Variant type: single nucleotide variant.
Coding change: c.2106T>G on transcript NM_176824.3 (MANE Select); coding-DNA position 2106, T replaced by G.
Protein change: p.Ser702Arg; replaces serine 702 with arginine.
Molecular consequence: missense variant.
Genome position (GRCh38, 1-based): chr4:121,825,902, A>C on the plus strand (T>G on the coding strand, the complement: BBS7 is on the minus strand). VCF-style: chr4-121825902-A-C. GRCh37 (hg19) VCF-style: chr4-122747057-A-C.
Other names: short protein forms S702R.
Identifiers: ClinVar variation 1493448 (VCV001493448.7), dbSNP rs1229720963, ClinGen allele CA358053385.
Genomic context (GRCh38, chr4:121,825,902, plus strand): 5'-CTTTACCTTATTTGTATGTCATGCTGCATCGAAGAATGAAATCAATGCATTTTGGTCATA[A>C]CTGTCCAGAATTTCCAATAGAAGGGGTACTTTAGTTTTTACATTGGTGCCTTTAAACTTA-3'
Protein context (NP_789794.1, residues 692-712): KVPLLLEILD[Ser702Arg]YDQNALISFF